The following is an entry in ClinVar:

ClinVar aggregate classification (germline): Uncertain significance. Review status: criteria provided, multiple submitters, no conflicts (2 of 4 stars). 2 submissions from 2 submitters: Uncertain significance (2). Last evaluated 2025-06-12.

Allele frequency attached by ClinVar (database versions not stated): 1000 Genomes Project 0.00020; ESP Exome Variant Server 0.00031; TOPMed 0.00035; 1000 Genomes Project 30x 0.00016; gnomAD 0.00036; ExAC 0.00010.
gnomAD v4.1: 91 of 1,614,022 alleles (0.0056%); highest among the groups gnomAD compares: African/African-American, 0.093%; 1 homozygote.

Submissions (2):

Labcorp Genetics (formerly Invitae), Labcorp
Classification: Uncertain significance. Last evaluated: 2025-06-12. Review status: criteria provided, single submitter. Criteria: Invitae Variant Classification Sherloc (09022015). Collection method: clinical testing. Allele origin: germline.
Comment: This sequence change replaces arginine, which is basic and polar, with cysteine, which is neutral and slightly polar, at codon 1205 of the FBN3 protein (p.Arg1205Cys). This variant is present in population databases (rs141914709, gnomAD 0.1%), and has an allele count higher than expected for a pathogenic variant. This variant has not been reported in the literature in individuals affected with FBN3-related conditions. ClinVar contains an entry for this variant (Variation ID: 2737649). Invitae Evidence Modeling of protein sequence and biophysical properties (such as structural, functional, and spatial information, amino acid conservation, physicochemical variation, residue mobility, and thermodynamic stability) indicates that this missense variant is expected to disrupt FBN3 protein function with a positive predictive value of 80%. In summary, the available evidence is currently insufficient to determine the role of this variant in disease. Therefore, it has been classified as a Variant of Uncertain Significance.

Ambry Genetics
Classification: Uncertain significance. Last evaluated: 2021-08-04. Review status: criteria provided, single submitter. Criteria: Ambry Variant Classification Scheme 2023. Collection method: clinical testing. Allele origin: germline.

NM_032447.5(FBN3):c.3613C>T (p.Arg1205Cys)

Gene: FBN3 (fibrillin 3; minus strand). Cytogenetic location: 19p13.2.
Variant type: single nucleotide variant.
Coding change: c.3613C>T on transcript NM_032447.5 (MANE Select); coding-DNA position 3613, C replaced by T.
Protein change: p.Arg1205Cys; replaces arginine 1205 with cysteine.
Molecular consequence: missense variant.
Genome position (GRCh38, 1-based): chr19:8,116,773, G>A on the plus strand (C>T on the coding strand, the complement: FBN3 is on the minus strand). VCF-style: chr19-8116773-G-A. GRCh37 (hg19) VCF-style: chr19-8181657-G-A.
Other names: c.3613C>T, p.Arg1205Cys (NM_001321431.2); c.3613C>T (NM_032447.3); short protein forms R1205C.
Identifiers: ClinVar variation 2737649 (VCV002737649.4), dbSNP rs141914709, ClinGen allele CA9152383.